The following is an entry in ClinVar:

ClinVar aggregate classification (germline): Uncertain significance (1 of 4 stars; one submission).

Submission:

Labcorp Genetics (formerly Invitae), Labcorp
Classification: Uncertain significance. Last evaluated: 2024-02-11. Review status: criteria provided, single submitter. Criteria: Invitae Variant Classification Sherloc (09022015). Collection method: clinical testing. Allele origin: germline.
Comment: This sequence change replaces aspartic acid, which is acidic and polar, with tyrosine, which is neutral and polar, at codon 1145 of the ABL1 protein (p.Asp1145Tyr). This variant is not present in population databases (gnomAD no frequency). This variant has not been reported in the literature in individuals affected with ABL1-related conditions. Advanced modeling of protein sequence and biophysical properties (such as structural, functional, and spatial information, amino acid conservation, physicochemical variation, residue mobility, and thermodynamic stability) performed at Invitae indicates that this missense variant is not expected to disrupt ABL1 protein function with a negative predictive value of 95%. In summary, the available evidence is currently insufficient to determine the role of this variant in disease. Therefore, it has been classified as a Variant of Uncertain Significance.

NM_005157.6(ABL1):c.3376G>T (p.Asp1126Tyr)

Gene: ABL1 (ABL proto-oncogene 1, non-receptor tyrosine kinase; plus strand). Cytogenetic location: 9q34.12.
Variant type: single nucleotide variant.
Coding change: c.3376G>T on transcript NM_005157.6 (MANE Select); coding-DNA position 3376, G replaced by T.
Protein change: p.Asp1126Tyr; replaces aspartic acid 1126 with tyrosine.
Molecular consequence: missense variant.
Genome position (GRCh38, 1-based): chr9:130,885,666, G>T. VCF-style: chr9-130885666-G-T. GRCh37 (hg19) VCF-style: chr9-133761053-G-T.
Other names: c.3433G>T, p.Asp1145Tyr (NM_007313.3); short protein forms D1126Y, D1145Y.
Identifiers: ClinVar variation 3635949 (VCV003635949.2).